The following is an entry in ClinVar:

NM_006031.6(PCNT):c.2566G>C (p.Val856Leu)

Gene: PCNT (pericentrin; plus strand). Cytogenetic location: 21q22.3.
Variant type: single nucleotide variant.
Coding change: c.2566G>C on transcript NM_006031.6 (MANE Select); coding-DNA position 2566, G replaced by C.
Protein change: p.Val856Leu; replaces valine 856 with leucine.
Molecular consequence: missense variant.
Genome position (GRCh38, 1-based): chr21:46,363,891, G>C. VCF-style: chr21-46363891-G-C. GRCh37 (hg19) VCF-style: chr21-47783806-G-C.
Other names: c.2212G>C, p.Val738Leu (NM_001315529.2); short protein forms V738L, V856L.
Identifiers: ClinVar variation 4993979 (VCV004993979.1).

ClinVar aggregate classification (germline): Uncertain significance (1 of 4 stars; one submission).

Conditions:
PCNT-related disorder. Also called: PCNT-related condition.

gnomAD v4.1: 4 of 1,611,828 alleles (0.00025%); highest among the groups gnomAD compares: Admixed American, 0.0033%; no homozygotes.

Submission:

PreventionGenetics, part of Exact Sciences
Classification: Uncertain significance for PCNT-related condition. Last evaluated: 2026-06-10. Review status: criteria provided, single submitter. Criteria: ACMG Guidelines, 2015. Collection method: clinical testing. Allele origin: germline.
Comment: The PCNT c.2566G>C variant is predicted to result in the amino acid substitution p.Val856Leu. To our knowledge, this variant has not been reported in the literature. This variant is reported in 0.0058% of alleles in individuals of Latino descent in gnomAD. At this time, the clinical significance of this variant is uncertain due to the absence of conclusive functional and genetic evidence.